The following is an entry in ClinVar:

ClinVar aggregate classification (germline): Uncertain significance. Review status: criteria provided, multiple submitters, no conflicts (2 of 4 stars). 3 submissions from 3 submitters: Uncertain significance (3). Last evaluated 2026-01-18.

Conditions:
Cardiovascular phenotype. Identifiers: MedGen CN230736.
Hypertrophic cardiomyopathy 26. Also called: Cardiomyopathy, familial hypertrophic, 26. Identifiers: Orphanet 75249, MedGen C4310749, MONDO:0014883, OMIM 617047.
Myofibrillar myopathy 5. Also called: Filaminopathy (type); FILAMINOPATHY, AUTOSOMAL DOMINANT. Identifiers: Orphanet 171445, MedGen C1836050, MONDO:0012289, OMIM 609524.
Distal myopathy with posterior leg and anterior hand involvement. Also called: WILLIAMS DISTAL MYOPATHY. Identifiers: Orphanet 63273, MedGen C3279722, MONDO:0013550, OMIM 614065.

Allele frequency attached by ClinVar (database versions not stated): gnomAD exomes below 0.00001 and 0.00001; TOPMed below 0.00001; ExAC 0.00001; gnomAD 0.00001.
gnomAD v4.1: 14 of 1,613,170 alleles (0.00087%); highest among the groups gnomAD compares: African/African-American, 0.0013%; no homozygotes.

Submissions (3):

Labcorp Genetics (formerly Invitae), Labcorp
Classification: Uncertain significance for Distal myopathy with posterior leg and anterior hand involvement; Myofibrillar myopathy 5; Hypertrophic cardiomyopathy 26. Last evaluated: 2026-01-18. Review status: criteria provided, single submitter. Criteria: Invitae Variant Classification Sherloc (09022015). Collection method: clinical testing. Allele origin: germline.
Comment: This sequence change replaces arginine, which is basic and polar, with cysteine, which is neutral and slightly polar, at codon 2173 of the FLNC protein (p.Arg2173Cys). This variant is present in population databases (rs767250474, gnomAD 0.0009%). This variant has not been reported in the literature in individuals affected with FLNC-related conditions. ClinVar contains an entry for this variant (Variation ID: 658104). An algorithm developed to predict the effect of missense changes on protein structure and function (PolyPhen-2) suggests that this variant is likely to be tolerated. In summary, the available evidence is currently insufficient to determine the role of this variant in disease. Therefore, it has been classified as a Variant of Uncertain Significance.

Molecular Diagnostic Laboratory for Inherited Cardiovascular Disease, Montreal Heart Institute
Classification: Uncertain significance for Cardiovascular phenotype. Last evaluated: 2025-04-09. Review status: criteria provided, single submitter. Criteria: ACMG Guidelines, 2015. Collection method: clinical testing. Allele origin: germline. Affected: yes.
Comment: PM2

Ambry Genetics
Classification: Uncertain significance for Cardiovascular phenotype. Last evaluated: 2023-12-15. Review status: criteria provided, single submitter. Criteria: Ambry Variant Classification Scheme 2023. Collection method: clinical testing. Allele origin: germline.
Comment: The p.R2173C variant (also known as c.6517C>T), located in coding exon 40 of the FLNC gene, results from a C to T substitution at nucleotide position 6517. The arginine at codon 2173 is replaced by cysteine, an amino acid with highly dissimilar properties. This amino acid position is conserved. In addition, this alteration is predicted to be deleterious by in silico analysis. Since supporting evidence is limited at this time, the clinical significance of this alteration remains unclear.

NM_001458.5(FLNC):c.6517C>T (p.Arg2173Cys)

Genes: FLNC (filamin C; plus strand), FLNC-AS1 (FLNC antisense RNA 1; minus strand). Cytogenetic location: 7q32.1.
Variant type: single nucleotide variant.
Coding change: c.6517C>T on transcript NM_001458.5 (MANE Select); coding-DNA position 6517, C replaced by T.
Protein change: p.Arg2173Cys; replaces arginine 2173 with cysteine.
Molecular consequence: missense variant.
Genome position (GRCh38, 1-based): chr7:128,854,006, C>T. VCF-style: chr7-128854006-C-T. GRCh37 (hg19) VCF-style: chr7-128494060-C-T.
Other names: c.6418C>T, p.Arg2140Cys (NM_001127487.2); short protein forms R2173C, R2140C.
Identifiers: ClinVar variation 658104 (VCV000658104.11), dbSNP rs767250474, ClinGen allele CA4476005.